The following is an entry in ClinVar:

NM_003628.6(PKP4):c.2791T>A (p.Ser931Thr)

Genes: PKP4 (plakophilin 4; plus strand), PKP4-AS1 (PKP4 antisense RNA 1; minus strand). Cytogenetic location: 2q24.1.
Variant type: single nucleotide variant.
Coding change: c.2791T>A on transcript NM_003628.6 (MANE Select); coding-DNA position 2791, T replaced by A.
Protein change: p.Ser931Thr; replaces serine 931 with threonine.
Molecular consequence: missense variant.
Genome position (GRCh38, 1-based): chr2:158,669,782, T>A. VCF-style: chr2-158669782-T-A. GRCh37 (hg19) VCF-style: chr2-159526294-T-A.
Other names: c.2791T>A, p.Ser931Thr (NM_001005476.4, NM_001377218.1, NM_001377225.1); c.2788T>A, p.Ser930Thr (NM_001304969.3, NM_001377219.1, NM_001377220.1 and 2 more transcripts); c.1762T>A, p.Ser588Thr (NM_001304970.3); c.2785T>A, p.Ser929Thr (NM_001377222.1, NM_001377223.1); c.2782T>A, p.Ser928Thr (NM_001377224.1); short protein forms S928T, S929T, S930T, S588T, S931T.
Identifiers: ClinVar variation 5026800 (VCV005026800.1).

ClinVar aggregate classification (germline): Uncertain significance (1 of 4 stars; one submission).

Submission:

Ambry Genetics
Classification: Uncertain significance. Last evaluated: 2026-07-26. Review status: criteria provided, single submitter. Criteria: Ambry Variant Classification Scheme 2023. Collection method: clinical testing. Allele origin: germline.
Comment: The p.S931T variant (also known as c.2791T>A), located in coding exon 16 of the PKP4 gene, results from a T to A substitution at nucleotide position 2791. The serine at codon 931 is replaced by threonine, an amino acid with similar properties. This amino acid position is conserved. In addition, this alteration is predicted to be tolerated by in silico analysis. Based on the available evidence, the clinical significance of this variant remains unclear.